The following is an entry in ClinVar:

NM_023110.3(FGFR1):c.-88-3922A>C

Gene: FGFR1 (fibroblast growth factor receptor 1; minus strand). Cytogenetic location: 8p11.23.
Variant type: single nucleotide variant.
Coding change: c.-88-3922A>C on transcript NM_023110.3 (MANE Select); 3922 bases into the intron before 88 bases upstream of the start codon, A replaced by C.
Molecular consequence: intron variant.
Genome position (GRCh38, 1-based): chr8:38,461,456, T>G on the plus strand (A>C on the coding strand, the complement: FGFR1 is on the minus strand). VCF-style: chr8-38461456-T-G. GRCh37 (hg19) VCF-style: chr8-38318974-T-G.
Other names: c.-88-3922A>C (NM_001354368.2, NM_001354370.2, NM_023106.3 and 7 more transcripts); c.-180-3922A>C (NM_001174064.2); c.-149-201A>C (NM_001174067.2).
Identifiers: ClinVar variation 1711671 (VCV001711671.30), dbSNP rs181311568, ClinGen allele CA175774938.
Genomic context (GRCh38, chr8:38,461,456, plus strand): 5'-ACGATCTCAACTCACTACAACCTCCATCCCCCAGACTCAAGTGATCCTCCCACCTCAGCC[T>G]CCCGAGAAGCTGGGCTAATTTTCTGTATATTTAATAAAAATGGGGTCTCACCATGTTGCC-3'

ClinVar aggregate classification (germline): Likely benign (1 of 4 stars; one submission).

Allele frequency attached by ClinVar (database versions not stated): 1000 Genomes Project 0.00140; 1000 Genomes Project 30x 0.00156; gnomAD 0.00316; TOPMed 0.00355.
gnomAD v4.1: 485 of 152,212 alleles (0.32%); highest among the groups gnomAD compares: Admixed American, 0.66%; 1 homozygote.

Submission:

CeGaT Center for Human Genetics Tuebingen
Classification: Likely benign. Last evaluated: 2026-03-01. Review status: criteria provided, single submitter. Criteria: CeGaT Center For Human Genetics Tuebingen Variant Classification Criteria Version 2. Collection method: clinical testing. Allele origin: germline. Affected: yes. Observed: 10 variant alleles.
Comment: FGFR1: BS1